The following is an entry in ClinVar:

ClinVar aggregate classification (germline): Uncertain significance (1 of 4 stars; one submission).

Conditions:
Early-infantile DEE. Also called: Ohtahara syndrome; Early infantile epileptic encephalopathy; Early infantile epileptic encephalopathy with suppression bursts. Identifiers: Orphanet 1934, MedGen C0393706, MONDO:0800491.

Submission:

Labcorp Genetics (formerly Invitae), Labcorp
Classification: Uncertain significance for Early-infantile DEE. Last evaluated: 2023-11-13. Review status: criteria provided, single submitter. Criteria: Invitae Variant Classification Sherloc (09022015). Collection method: clinical testing. Allele origin: germline.
Comment: This sequence change creates a premature translational stop signal (p.Glu1870Lysfs*81) in the SCN8A gene. While this is not anticipated to result in nonsense mediated decay, it is expected to disrupt the last 111 amino acid(s) of the SCN8A protein. This variant is not present in population databases (gnomAD no frequency). This variant has not been reported in the literature in individuals affected with SCN8A-related conditions. Experimental studies and prediction algorithms are not available or were not evaluated, and the functional significance of this variant is currently unknown. In summary, the available evidence is currently insufficient to determine the role of this variant in disease. Therefore, it has been classified as a Variant of Uncertain Significance.

NM_001330260.2(SCN8A):c.5608del (p.Glu1870fs)

Gene: SCN8A (sodium voltage-gated channel alpha subunit 8; plus strand). Cytogenetic location: 12q13.13.
Variant type: Deletion.
Coding change: c.5608del on transcript NM_001330260.2 (MANE Select); coding-DNA position 5608, one base deleted (G; older notation c.5608delG).
Protein change: p.Glu1870fs; shifts the reading frame from glutamic acid 1870.
Molecular consequence: frameshift variant.
Genome position (GRCh38, 1-based): chr12:51,807,094, G deleted; the last of 2 consecutive G bases (chr12:51,807,093-51,807,094); deleting either gives the same sequence. VCF-style (leftmost placement, unchanged base first): chr12-51807092-TG-T. GRCh37 (hg19) VCF-style: chr12-52200876-TG-T.
Other names: c.5485del, p.Glu1829fs (NM_001177984.3, NM_001369788.1); c.5608del, p.Glu1870fs (NM_014191.4); short protein forms E1829fs, E1870fs.
Identifiers: ClinVar variation 2772379 (VCV002772379.3), dbSNP rs2540335697, ClinGen allele CA2697559274.